The following is an entry in ClinVar:

NM_198578.4(LRRK2):c.7553C>T (p.Ala2518Val)

Gene: LRRK2 (leucine rich repeat kinase 2; plus strand). Cytogenetic location: 12q12.
Variant type: single nucleotide variant.
Coding change: c.7553C>T on transcript NM_198578.4 (MANE Select); coding-DNA position 7553, C replaced by T.
Protein change: p.Ala2518Val; replaces alanine 2518 with valine.
Molecular consequence: missense variant.
Genome position (GRCh38, 1-based): chr12:40,367,734, C>T. VCF-style: chr12-40367734-C-T. GRCh37 (hg19) VCF-style: chr12-40761536-C-T.
Other names: short protein forms A2518V.
Identifiers: ClinVar variation 3540486 (VCV003540486.1).

ClinVar aggregate classification (germline): Uncertain significance (1 of 4 stars; one submission).

Conditions:
Inborn genetic diseases. Identifiers: MedGen C0950123, MeSH D030342.

gnomAD v4.1: 1 of 1,604,086 alleles (0.000062%); highest among the groups gnomAD compares: Non-Finnish European, 0.000085%; no homozygotes.

Submission:

Ambry Genetics
Classification: Uncertain significance for Inborn genetic diseases. Last evaluated: 2024-10-14. Review status: criteria provided, single submitter. Criteria: Ambry Variant Classification Scheme 2023. Collection method: clinical testing. Allele origin: germline.
Comment: The p.A2518V variant (also known as c.7553C>T), located in coding exon 51 of the LRRK2 gene, results from a C to T substitution at nucleotide position 7553. The alanine at codon 2518 is replaced by valine, an amino acid with similar properties. This amino acid position is conserved. In addition, the in silico prediction for this alteration is inconclusive. Based on the available evidence, the clinical significance of this variant remains unclear.